The following is an entry in ClinVar:

ClinVar aggregate classification (germline): Pathogenic. Review status: criteria provided, multiple submitters, no conflicts (2 of 4 stars). 4 submissions from 4 submitters: Pathogenic (4). Last evaluated 2023-02-21.

Conditions:
MEN1-related disorder. Also called: MEN1-related condition.
Multiple endocrine neoplasia, type 1 (MEN1). Also called: MEN I; WERMER SYNDROME; MEA I; Endocrine adenomatosis multiple; MEN 1. Identifiers: Orphanet 652, MedGen C0025267, MeSH D018761, MONDO:0007540, OMIM 131100.

Submissions (4):

Labcorp Genetics (formerly Invitae), Labcorp
Classification: Pathogenic for Multiple endocrine neoplasia, type 1. Last evaluated: 2023-02-21. Review status: criteria provided, single submitter. Criteria: Invitae Variant Classification Sherloc (09022015). Collection method: clinical testing. Allele origin: germline.
Comment: This variant is not present in population databases (gnomAD no frequency). For these reasons, this variant has been classified as Pathogenic. ClinVar contains an entry for this variant (Variation ID: 988454). This variant is also known as mutation of CAG7TAG. This premature translational stop signal has been observed in individual(s) with multiple endocrine neoplasia type 1 (PMID: 24334135). This sequence change creates a premature translational stop signal (p.Gln7*) in the MEN1 gene. It is expected to result in an absent or disrupted protein product. Loss-of-function variants in MEN1 are known to be pathogenic (PMID: 12112656, 17853334).

Clinical Genetics Laboratory, Skane University Hospital Lund
Classification: Pathogenic. Last evaluated: 2022-05-27. Review status: criteria provided, single submitter. Criteria: ACMG Guidelines, 2015. Collection method: clinical testing. Allele origin: germline. Affected: yes.

Blueprint Genetics
Classification: Pathogenic for MEN1-related disorders. Last evaluated: 2021-11-24. Review status: criteria provided, single submitter. Criteria: ACMG Guidelines, 2015. Collection method: clinical testing. Allele origin: germline. Affected: yes. Observed: 1 variant allele.

Clinical Genetics and Genomics, Karolinska University Hospital
Classification: Pathogenic. Last evaluated: 2014-11-03. Review status: criteria provided, single submitter. Criteria: ACMG Guidelines, 2015. Collection method: clinical testing. Allele origin: germline. Affected: yes. Observed: 1 variant allele.

Literature cited by the submitters: PubMed 24334135 (cited by Labcorp Genetics (formerly Invitae), Labcorp); PubMed 12112656 (cited by Labcorp Genetics (formerly Invitae), Labcorp); PubMed 17853334 (cited by Labcorp Genetics (formerly Invitae), Labcorp).

NM_001370259.2(MEN1):c.19C>T (p.Gln7Ter)

Gene: MEN1 (menin 1; minus strand). Cytogenetic location: 11q13.1.
Variant type: single nucleotide variant.
Coding change: c.19C>T on transcript NM_001370259.2 (MANE Select); coding-DNA position 19, C replaced by T.
Protein change: p.Gln7Ter; replaces glutamine 7 with a stop codon.
Molecular consequence: nonsense.
Genome position (GRCh38, 1-based): chr11:64,810,091, G>A on the plus strand (C>T on the coding strand, the complement: MEN1 is on the minus strand). VCF-style: chr11-64810091-G-A. GRCh37 (hg19) VCF-style: chr11-64577563-G-A.
Other names: c.19C>T, p.Gln7Ter (NM_000244.4, NM_001370251.2, NM_001370260.2 and 9 more transcripts); short protein forms Q7*.
Identifiers: ClinVar variation 988454 (VCV000988454.7), dbSNP rs1942027113, ClinGen allele CA381188292.
Genomic context (GRCh38, chr11:64,810,091, plus strand): 5'-GCTCGGCAGCAAACAGGCGCACCACGTCGTCGATGGAGCGCAGCGGGAACAGCGTCTTCT[G>A]GGCGGCCTTCAGCCCCATGGCGGCGGGCGGTGGGCGGCGGCCTGCAAGGCAAGCCGGGGG-3'